The following is an entry in ClinVar:

NM_002863.5(PYGL):c.1093-30G>A

Gene: PYGL (glycogen phosphorylase L; minus strand). Cytogenetic location: 14q22.1.
Variant type: single nucleotide variant.
Coding change: c.1093-30G>A on transcript NM_002863.5 (MANE Select); 30 bases into the intron before coding-DNA position 1093, G replaced by A.
Molecular consequence: intron variant.
Genome position (GRCh38, 1-based): chr14:50,916,001, C>T on the plus strand (G>A on the coding strand, the complement: PYGL is on the minus strand). VCF-style: chr14-50916001-C-T. GRCh37 (hg19) VCF-style: chr14-51382719-C-T.
Other names: p.?; c.991-30G>A (NM_001163940.2).
Identifiers: ClinVar variation 4683858 (VCV004683858.1).

ClinVar aggregate classification (germline): Likely benign (1 of 4 stars; one submission).

gnomAD v4.1: 106 of 1,613,308 alleles (0.0066%); highest among the groups gnomAD compares: African/African-American, 0.12%; no homozygotes.

Submission:

Mayo Clinic Laboratories, Mayo Clinic
Classification: Likely benign. Last evaluated: 2025-07-30. Review status: criteria provided, single submitter. Criteria: ACMG Guidelines, 2015. Collection method: clinical testing. Allele origin: germline. Observed: 1 variant allele.
Comment: BP4, BP7